The following is an entry in ClinVar:

ClinVar aggregate classification (germline): Uncertain significance (1 of 4 stars; one submission).

Conditions:
Nephronophthisis 14 (NPHP14). Identifiers: Orphanet 2318, MedGen C3539071, MONDO:0013916, OMIM 614844.

Submission:

Labcorp Genetics (formerly Invitae), Labcorp
Classification: Uncertain significance for Nephronophthisis 14. Last evaluated: 2023-08-17. Review status: criteria provided, single submitter. Criteria: Invitae Variant Classification Sherloc (09022015). Collection method: clinical testing. Allele origin: germline.
Comment: In summary, the available evidence is currently insufficient to determine the role of this variant in disease. Therefore, it has been classified as a Variant of Uncertain Significance. This sequence change replaces glutamine, which is neutral and polar, with glutamic acid, which is acidic and polar, at codon 402 of the ZNF423 protein (p.Gln402Glu). This variant is not present in population databases (gnomAD no frequency). This variant has not been reported in the literature in individuals affected with ZNF423-related conditions. ClinVar contains an entry for this variant (Variation ID: 1714400). Advanced modeling of protein sequence and biophysical properties (such as structural, functional, and spatial information, amino acid conservation, physicochemical variation, residue mobility, and thermodynamic stability) performed at Invitae indicates that this missense variant is not expected to disrupt ZNF423 protein function.

NM_001379286.1(ZNF423):c.1228C>G (p.Gln410Glu)

Gene: ZNF423 (zinc finger protein 423; minus strand). Cytogenetic location: 16q12.1.
Variant type: single nucleotide variant.
Coding change: c.1228C>G on transcript NM_001379286.1 (MANE Select); coding-DNA position 1228, C replaced by G.
Protein change: p.Gln410Glu; replaces glutamine 410 with glutamic acid.
Molecular consequence: missense variant.
Genome position (GRCh38, 1-based): chr16:49,637,948, G>C on the plus strand (C>G on the coding strand, the complement: ZNF423 is on the minus strand). VCF-style: chr16-49637948-G-C. GRCh37 (hg19) VCF-style: chr16-49671859-G-C.
Other names: c.1024C>G, p.Gln342Glu (NM_001271620.2); c.853C>G, p.Gln285Glu (NM_001330533.2); c.1204C>G, p.Gln402Glu (NM_015069.5); short protein forms Q285E, Q342E, Q402E, Q410E.
Identifiers: ClinVar variation 1714400 (VCV001714400.5), dbSNP rs2507014374, ClinGen allele CA395850060.
Genomic context (GRCh38, chr16:49,637,948, plus strand): 5'-GGCTGTTAAAGTCCCGCTTGGAACAATAGGGGCAGCTATAGACCACCTTGGTCCAGCCCT[G>C]CCCGTCATCCCGCATCTTCTTCTGCCCCCGCAGCGGCTTCAAGGTGGAGTCCGGGGTGGA-3'
Protein context (NP_001366215.1, residues 400-420): RGQKKMRDDG[Gln410Glu]GWTKVVYSCP